The following is an entry in ClinVar:

ClinVar aggregate classification (germline): Uncertain significance (1 of 4 stars; one submission).

Conditions:
Breast-ovarian cancer, familial, susceptibility to, 4. Identifiers: Orphanet 145, MedGen C3280345, MONDO:0013669, OMIM 614291.

Submission:

Labcorp Genetics (formerly Invitae), Labcorp
Classification: Uncertain significance for Breast-ovarian cancer, familial, susceptibility to, 4. Last evaluated: 2024-11-27. Review status: criteria provided, single submitter. Criteria: Invitae Variant Classification Sherloc (09022015). Collection method: clinical testing. Allele origin: germline.
Comment: This sequence change replaces aspartic acid, which is acidic and polar, with glutamic acid, which is acidic and polar, at codon 254 of the RAD51D protein (p.Asp254Glu). This variant is not present in population databases (gnomAD no frequency). This variant has not been reported in the literature in individuals affected with RAD51D-related conditions. Invitae Evidence Modeling of protein sequence and biophysical properties (such as structural, functional, and spatial information, amino acid conservation, physicochemical variation, residue mobility, and thermodynamic stability) indicates that this missense variant is not expected to disrupt RAD51D protein function with a negative predictive value of 80%. In summary, the available evidence is currently insufficient to determine the role of this variant in disease. Therefore, it has been classified as a Variant of Uncertain Significance.

NM_002878.4(RAD51D):c.762C>G (p.Asp254Glu)

Genes: RAD51D (RAD51 paralog D; minus strand), RAD51L3-RFFL (RAD51L3-RFFL readthrough; minus strand). Cytogenetic location: 17q12.
Variant type: single nucleotide variant.
Coding change: c.762C>G on transcript NM_002878.4 (MANE Select); coding-DNA position 762, C replaced by G.
Protein change: p.Asp254Glu; replaces aspartic acid 254 with glutamic acid.
Molecular consequence: missense variant. On other transcripts: non-coding transcript variant (3).
Genome position (GRCh38, 1-based): chr17:35,101,342, G>C on the plus strand (C>G on the coding strand, the complement: RAD51D is on the minus strand). VCF-style: chr17-35101342-G-C. GRCh37 (hg19) VCF-style: chr17-33428361-G-C.
Other names: c.822C>G, p.Asp274Glu (NM_001142571.2); c.426C>G, p.Asp142Glu (NM_133629.3); short protein forms D254E, D142E, D274E.
Identifiers: ClinVar variation 3665856 (VCV003665856.2).
Genomic context (GRCh38, chr17:35,101,342, plus strand): 5'-AGTGCTGGGCACAAAGCTCCAGGAGCGTCCGAGGGCAGGTTTGAGCCTCCCGCTGTCCCT[G>C]TCTCGAGTTATGTGGTTGGTCACCTGCAGCAGAAACAGACTTACAGATCCATAATGCTAG-3'
Protein context (NP_002869.3, residues 244-264): AVVVTNHITR[Asp254Glu]RDSGRLKPAL